The following is an entry in ClinVar:

NM_001323289.2(CDKL5):c.1289_1535del (p.Gly430fs)

Gene: CDKL5 (cyclin dependent kinase like 5; plus strand). Cytogenetic location: Xp22.13.
Variant type: Deletion.
Coding change: c.1289_1535del on transcript NM_001323289.2 (MANE Select); coding-DNA positions 1289 to 1535, 247 bases deleted.
Protein change: p.Gly430fs; shifts the reading frame from glycine 430.
Molecular consequence: frameshift variant.
Genome position (GRCh38, 1-based): chrX:18,604,213-18,604,459, 247 bases deleted. GRCh37 (hg19): chrX:18,622,333-18,622,579.
Other names: c.1289_1535del247 (NM_001323289.2); c.1289_1535del, p.Gly430fs (NM_001037343.2, NM_003159.3); short protein forms G430fs.
Identifiers: ClinVar variation 3897581 (VCV003897581.1).

ClinVar aggregate classification (germline): Pathogenic (1 of 4 stars; one submission).

Conditions:
Developmental and epileptic encephalopathy, 2 (DEE2). Also called: INFANTILE SPASM SYNDROME, X-LINKED 2; CDKL5 deficiency disorder. Identifiers: Orphanet 1934, Orphanet 3451, Orphanet 505652, MedGen C4750718, MONDO:0010396, OMIM 300672.

Submission:

Genetics Laboratory, UDIAT-Centre Diagnòstic, Hospital Universitari Parc Tauli
Classification: Pathogenic for developmental and epileptic encephalopathy, 2. Last evaluated: 2025-04-07. Review status: criteria provided, single submitter. Criteria: ACMG Guidelines, 2015. Collection method: clinical testing. Allele origin: unknown. Inheritance: X-linked inheritance. Affected: yes.
Comment: PVS1_very strong;PM2_supporting;PP4_supporting